The following is an entry in ClinVar:

ClinVar aggregate classification (germline): Uncertain significance (1 of 4 stars; one submission).

Submission:

Ambry Genetics
Classification: Uncertain significance. Last evaluated: 2024-08-12. Review status: criteria provided, single submitter. Criteria: Ambry Variant Classification Scheme 2023. Collection method: clinical testing. Allele origin: germline.
Comment: The p.V1494I variant (also known as c.4480G>A), located in coding exon 4 of the ALPK2 gene, results from a G to A substitution at nucleotide position 4480. The valine at codon 1494 is replaced by isoleucine, an amino acid with highly similar properties. This amino acid position is conserved. In addition, this alteration is predicted to be tolerated by in silico analysis. Based on the available evidence, the clinical significance of this variant remains unclear.

NM_052947.4(ALPK2):c.4480G>A (p.Val1494Ile)

Genes: ALPK2 (alpha kinase 2; minus strand), LOC126862764 (BRD4-independent group 4 enhancer GRCh37_chr18:56202574-56203773; plus strand). Cytogenetic location: 18q21.31.
Variant type: single nucleotide variant.
Coding change: c.4480G>A on transcript NM_052947.4 (MANE Select); coding-DNA position 4480, G replaced by A.
Protein change: p.Val1494Ile; replaces valine 1494 with isoleucine.
Molecular consequence: missense variant.
Genome position (GRCh38, 1-based): chr18:58,535,707, C>T on the plus strand (G>A on the coding strand, the complement: ALPK2 is on the minus strand). VCF-style: chr18-58535707-C-T. GRCh37 (hg19) VCF-style: chr18-56202939-C-T.
Other names: short protein forms V1494I.
Identifiers: ClinVar variation 3528776 (VCV003528776.1).
Genomic context (GRCh38, chr18:58,535,707, plus strand): 5'-GTATTTGGCCTATGCTACATCCACTTGGAATTCTTTCACCGCCTTCGCTGGGTTGCAGGA[C>T]TTGCCAAATGGCAGTTTTTGCCTCCTCAGGTTGAATTTGTTCAGCCTCCTGCTTCATACT-3'
Protein context (NP_443179.3, residues 1484-1504): PEEAKTAIWQ[Val1494Ile]LQPSEGGERI